The following is an entry in ClinVar:

NM_001042492.3(NF1):c.7062+2T>C

Gene: NF1 (neurofibromin 1; plus strand). Cytogenetic location: 17q11.2.
Variant type: single nucleotide variant.
Coding change: c.7062+2T>C on transcript NM_001042492.3 (MANE Select); the canonical splice donor site of the intron after coding-DNA position 7062, T replaced by C.
Molecular consequence: splice donor variant.
Genome position (GRCh38, 1-based): chr17:31,340,647, T>C. VCF-style: chr17-31340647-T-C. GRCh37 (hg19) VCF-style: chr17-29667665-T-C.
Other names: c.6999+2T>C (NM_000267.4).
Identifiers: ClinVar variation 431684 (VCV000431684.7), dbSNP rs1135402898, ClinGen allele CA399015296.

ClinVar aggregate classification (germline): Pathogenic. Review status: criteria provided, multiple submitters, no conflicts (2 of 4 stars). 3 submissions from 3 submitters: Pathogenic (2). 1 of the submissions does not count toward it. Last evaluated 2025-09-10.

Conditions:
Neurofibromatosis, type 1 (NF1). Also called: NEUROFIBROMATOSIS, TYPE I, SOMATIC; Neurofibromatosis, type I; Peripheral type neurofibromatosis; VON RECKLINGHAUSEN DISEASE. Identifiers: Orphanet 636, MedGen C0027831, MONDO:0018975, OMIM 162200. Disease mechanism: loss of function.

Submissions (3):

3billion
Classification: Pathogenic for Neurofibromatosis, type 1. Last evaluated: 2025-09-10. Review status: criteria provided, single submitter. Criteria: ACMG Guidelines, 2015. Collection method: clinical testing. Allele origin: germline. Affected: yes.
Comment: The variant is not observed in the gnomAD v4.1.0 dataset. Predicted Consequence/Location: Canonical splice site: predicted to alter splicing and result in a loss or disruption of normal protein function. Multiple pathogenic loss-of-function variants are reported downstream of the variant. In silico tools predict the variant to alter splicing and produce an abnormal transcript [SpliceAI: 0.81 (spliceogenicity >=0.2, non-spliceogenicity <0.1)]. The variant has been previously reported as de novo in a similarly affected individual (PMID: 28961165). The variant has been reported at least twice as pathogenic without evidence for the classification (ClinVar ID: VCV000431684 /PMID: 28961165). Therefore, this variant is classified as Pathogenic according to the recommendation of ACMG/AMP guideline.

Labcorp Genetics (formerly Invitae), Labcorp
Classification: Pathogenic for Neurofibromatosis, type 1. Last evaluated: 2022-10-10. Review status: criteria provided, single submitter. Criteria: Invitae Variant Classification Sherloc (09022015). Collection method: clinical testing. Allele origin: germline.
Comment: For these reasons, this variant has been classified as Pathogenic. Algorithms developed to predict the effect of sequence changes on RNA splicing suggest that this variant may disrupt the consensus splice site. ClinVar contains an entry for this variant (Variation ID: 431684). Disruption of this splice site has been observed in individual(s) with neurofibromatosis type 1 (PMID: 28961165). In at least one individual the variant was observed to be de novo. This variant is not present in population databases (gnomAD no frequency). This sequence change affects a donor splice site in intron 46 of the NF1 gene. It is expected to disrupt RNA splicing. Variants that disrupt the donor or acceptor splice site typically lead to a loss of protein function (PMID: 16199547), and loss-of-function variants in NF1 are known to be pathogenic (PMID: 10712197, 23913538).

Medical Genetics, University of Parma
Classification: Likely pathogenic for Neurofibromatosis type 1. Last evaluated: 2017-02-02. Review status: no assertion criteria provided. Collection method: clinical testing. Allele origin: germline. Affected: yes. Not counted in ClinVar's aggregate classification.

Literature cited by the submitters: PubMed 28961165 (cited by 3billion and Labcorp Genetics (formerly Invitae), Labcorp); PubMed 16199547 (cited by Labcorp Genetics (formerly Invitae), Labcorp); PubMed 10712197 (cited by Labcorp Genetics (formerly Invitae), Labcorp); PubMed 23913538 (cited by Labcorp Genetics (formerly Invitae), Labcorp).